The following is an entry in ClinVar:

NM_000334.4(SCN4A):c.2219C>T (p.Pro740Leu)

Genes: GH-LCR (growth hormone locus control region; plus strand), SCN4A (sodium voltage-gated channel alpha subunit 4; minus strand). Cytogenetic location: 17q23.3.
Variant type: single nucleotide variant.
Coding change: c.2219C>T on transcript NM_000334.4 (MANE Select); coding-DNA position 2219, C replaced by T.
Protein change: p.Pro740Leu; replaces proline 740 with leucine.
Molecular consequence: missense variant.
Genome position (GRCh38, 1-based): chr17:63,957,319, G>A on the plus strand (C>T on the coding strand, the complement: SCN4A is on the minus strand). VCF-style: chr17-63957319-G-A. GRCh37 (hg19) VCF-style: chr17-62034679-G-A.
Other names: short protein forms P740L.
Identifiers: ClinVar variation 2199639 (VCV002199639.5), dbSNP rs371933998, ClinGen allele CA8709634.
Genomic context (GRCh38, chr17:63,957,319, plus strand): 5'-CCGCACAGGATGCGGAAGACGATGAGGAAGGAGTGGAAGAAATCATGCATGTGCCAGCGC[G>A]GCAGGTTGCAGTCCAAGGCAATCTTGCACACGCACTCCTTGTAGCTCTTGCCAAACAGCT-3'
Protein context (NP_000325.4, residues 730-750): VCKIALDCNL[Pro740Leu]RWHMHDFFHS

ClinVar aggregate classification (germline): Uncertain significance. Review status: criteria provided, multiple submitters, no conflicts (2 of 4 stars). 2 submissions from 2 submitters: Uncertain significance (2). Last evaluated 2025-07-13.

Conditions:
Hyperkalemic periodic paralysis. Also called: Familial hyperkalemic periodic paralysis; Gamstorp disease. Identifiers: Orphanet 682, MedGen C0238357, MONDO:0008224, OMIM 170500, HP:0007215.
Inborn genetic diseases. Identifiers: MedGen C0950123, MeSH D030342.

Allele frequency attached by ClinVar (database versions not stated): ExAC 0.00001; TOPMed 0.00001; gnomAD 0.00002; ESP Exome Variant Server 0.00008.

Submissions (2):

Ambry Genetics
Classification: Uncertain significance for Inborn genetic diseases. Last evaluated: 2025-07-13. Review status: criteria provided, single submitter. Criteria: Ambry Variant Classification Scheme 2023. Collection method: clinical testing. Allele origin: germline.

Labcorp Genetics (formerly Invitae), Labcorp
Classification: Uncertain significance for Hyperkalemic periodic paralysis. Last evaluated: 2024-08-10. Review status: criteria provided, single submitter. Criteria: Invitae Variant Classification Sherloc (09022015). Collection method: clinical testing. Allele origin: germline.
Comment: This sequence change replaces proline, which is neutral and non-polar, with leucine, which is neutral and non-polar, at codon 740 of the SCN4A protein (p.Pro740Leu). This variant is present in population databases (rs371933998, gnomAD 0.0009%). This variant has not been reported in the literature in individuals affected with SCN4A-related conditions. ClinVar contains an entry for this variant (Variation ID: 2199639). Advanced modeling of protein sequence and biophysical properties (such as structural, functional, and spatial information, amino acid conservation, physicochemical variation, residue mobility, and thermodynamic stability) has been performed at Invitae for this missense variant, however the output from this modeling did not meet the statistical confidence thresholds required to predict the impact of this variant on SCN4A protein function. In summary, the available evidence is currently insufficient to determine the role of this variant in disease. Therefore, it has been classified as a Variant of Uncertain Significance.